The following is an entry in ClinVar:

NM_006514.4(SCN10A):c.3804+2T>C

Gene: SCN10A (sodium voltage-gated channel alpha subunit 10; minus strand). Cytogenetic location: 3p22.2.
Variant type: single nucleotide variant.
Coding change: c.3804+2T>C on transcript NM_006514.4 (MANE Select); the canonical splice donor site of the intron after coding-DNA position 3804, T replaced by C.
Molecular consequence: splice donor variant.
Genome position (GRCh38, 1-based): chr3:38,713,956, A>G on the plus strand (T>C on the coding strand, the complement: SCN10A is on the minus strand). VCF-style: chr3-38713956-A-G. GRCh37 (hg19) VCF-style: chr3-38755447-A-G.
Other names: c.3510+2T>C (NM_001293307.2); c.3801+2T>C (NM_001293306.2).
Identifiers: ClinVar variation 1735092 (VCV001735092.2), dbSNP rs909369746, ClinGen allele CA72951104.

ClinVar aggregate classification (germline): Uncertain significance (1 of 4 stars; one submission).

Conditions:
Cardiovascular phenotype. Identifiers: MedGen CN230736.

Allele frequency attached by ClinVar (database versions not stated): TOPMed below 0.00001; gnomAD exomes 0.00001.
gnomAD v4.1: 7 of 1,613,182 alleles (0.00043%); highest among the groups gnomAD compares: Non-Finnish European, 0.00059%; no homozygotes.

Submission:

Ambry Genetics
Classification: Uncertain significance for Cardiovascular phenotype. Last evaluated: 2022-02-17. Review status: criteria provided, single submitter. Criteria: Ambry Variant Classification Scheme 2023. Collection method: clinical testing. Allele origin: germline.
Comment: The c.3804+2T>C intronic variant results from a T to C substitution two nucleotides after coding exon 21 in the SCN10A gene. Alterations that disrupt the canonical splice site are expected to result in aberrant splicing. This nucleotide position is highly conserved in available vertebrate species. In silico splice site analysis predicts that this alteration will weaken the native splice donor site. However, the evidence for this gene-disease relationship is limited; therefore, the clinical significance of this alteration is unclear.